The following is an entry in ClinVar:

NM_001291867.2(NHS):c.176_177delinsAA (p.Arg59Gln)

Gene: NHS (NHS actin remodeling regulator; plus strand). Cytogenetic location: Xp22.2.
Variant type: Indel.
Coding change: c.176_177delinsAA on transcript NM_001291867.2 (MANE Select); coding-DNA positions 176 to 177, GC replaced by AA.
Protein change: p.Arg59Gln; replaces arginine 59 with glutamine.
Molecular consequence: missense variant.
Genome position (GRCh38, 1-based): chrX:17,375,933-17,375,934, GC replaced by AA. VCF-style: chrX-17375933-GC-AA. GRCh37 (hg19) VCF-style: chrX-17394056-GC-AA.
Other names: c.176_177delinsAA, p.Arg59Gln (NM_198270.4); short protein forms R59Q.
Identifiers: ClinVar variation 211596 (VCV000211596.11), dbSNP rs797045739, ClinGen allele CA209635.

ClinVar aggregate classification (germline): Uncertain significance. Review status: criteria provided, multiple submitters, no conflicts (2 of 4 stars). 3 submissions from 3 submitters: Uncertain significance (3). Last evaluated 2024-10-25.

Conditions:
Nance-Horan syndrome (NHS). Identifiers: Orphanet 627, MedGen C0796085, MONDO:0010545, OMIM 302350.
Cataract 40 (CTRCT40). Also called: CATARACT 40 WITH OR WITHOUT MICROCORNEA; Cataract 40, X-linked; CATARACT, CONGENITAL TOTAL, WITH POSTERIOR SUTURAL OPACITIES IN HETEROZYGOTES. Identifiers: Orphanet 91492, MedGen C4049004, MONDO:0010544, OMIM 302200.

Submissions (3):

Labcorp Genetics (formerly Invitae), Labcorp
Classification: Uncertain significance for Nance-Horan syndrome. Last evaluated: 2024-10-25. Review status: criteria provided, single submitter. Criteria: Invitae Variant Classification Sherloc (09022015). Collection method: clinical testing. Allele origin: germline.
Comment: This sequence change replaces arginine, which is basic and polar, with glutamine, which is neutral and polar, at codon 59 of the NHS protein (p.Arg59Gln). This variant is present in population databases (rs797045739, gnomAD 0.002%). This variant has not been reported in the literature in individuals affected with NHS-related conditions. ClinVar contains an entry for this variant (Variation ID: 211596). An algorithm developed to predict the effect of missense changes on protein structure and function (PolyPhen-2) suggests that this variant is likely to be tolerated. In summary, the available evidence is currently insufficient to determine the role of this variant in disease. Therefore, it has been classified as a Variant of Uncertain Significance.

Fulgent Genetics
Classification: Uncertain significance for Cataract 40; Nance-Horan syndrome. Last evaluated: 2018-10-31. Review status: criteria provided, single submitter. Criteria: ACMG Guidelines, 2015. Collection method: clinical testing. Allele origin: unknown.

Genetic Services Laboratory, University of Chicago
Classification: Uncertain significance. Last evaluated: 2015-06-01. Review status: criteria provided, single submitter. Criteria: ACMG Guidelines, 2015. Collection method: clinical testing. Allele origin: germline.